The following is an entry in ClinVar:

NM_015378.4(VPS13D):c.9290G>A (p.Arg3097Gln)

Gene: VPS13D (vacuolar protein sorting 13 homolog D; plus strand). Cytogenetic location: 1p36.22.
Variant type: single nucleotide variant.
Coding change: c.9290G>A on transcript NM_015378.4 (MANE Select); coding-DNA position 9290, G replaced by A.
Protein change: p.Arg3097Gln; replaces arginine 3097 with glutamine.
Molecular consequence: missense variant.
Genome position (GRCh38, 1-based): chr1:12,349,233, G>A. VCF-style: chr1-12349233-G-A. GRCh37 (hg19) VCF-style: chr1-12409290-G-A.
Other names: p.Arg3097Gln; c.9215G>A, p.Arg3072Gln (NM_018156.4); short protein forms R3072Q, R3097Q.
Identifiers: ClinVar variation 2683700 (VCV002683700.1), dbSNP rs781452846, ClinGen allele CA603396.

ClinVar aggregate classification (germline): Uncertain significance (1 of 4 stars; one submission).

Allele frequency attached by ClinVar (database versions not stated): gnomAD exomes below 0.00001; gnomAD 0.00001; TOPMed 0.00001; ExAC 0.00002.
gnomAD v4.1: 7 of 1,614,000 alleles (0.00043%); highest among the groups gnomAD compares: African/African-American, 0.0013%; no homozygotes.

Submission:

Mayo Clinic Laboratories, Mayo Clinic
Classification: Uncertain significance. Last evaluated: 2023-02-10. Review status: criteria provided, single submitter. Criteria: ACMG Guidelines, 2015. Collection method: clinical testing. Allele origin: germline. Observed: 1 variant allele.
Comment: BP4, PM2